The following is an entry in ClinVar:

NM_001206999.2(CIT):c.4114A>G (p.Met1372Val)

Gene: CIT (citron rho-interacting serine/threonine kinase; minus strand). Cytogenetic location: 12q24.23.
Variant type: single nucleotide variant.
Coding change: c.4114A>G on transcript NM_001206999.2 (MANE Select); coding-DNA position 4114, A replaced by G.
Protein change: p.Met1372Val; replaces methionine 1372 with valine.
Molecular consequence: missense variant.
Genome position (GRCh38, 1-based): chr12:119,718,299, T>C on the plus strand (A>G on the coding strand, the complement: CIT is on the minus strand). VCF-style: chr12-119718299-T-C. GRCh37 (hg19) VCF-style: chr12-120156104-T-C.
Other names: c.3988A>G, p.Met1330Val (NM_007174.3); short protein forms M1330V, M1372V.
Identifiers: ClinVar variation 1212732 (VCV001212732.8), dbSNP rs200875509, ClinGen allele CA6821336.
Genomic context (GRCh38, chr12:119,718,299, plus strand): 5'-ACGTACCCTCTGGAGTTGAAGACTCCTTTCTGCGGCTGGATGGCGGGGCCAGCAGGCTCA[T>C]GGCACTGGGCTGGTGCTCTGGCGACCGCACGATGGCGGACATGGCGATCTGCTGCCTCGC-3'
Protein context (NP_001193928.1, residues 1362-1382): VRSPEHQPSA[Met1372Val]SLLAPPSSRR

ClinVar aggregate classification (germline): Uncertain significance. Review status: criteria provided, multiple submitters, no conflicts (2 of 4 stars). 2 submissions from 2 submitters: Uncertain significance (2). Last evaluated 2026-01-12.

Allele frequency attached by ClinVar (database versions not stated): 1000 Genomes Project 30x 0.00016; TOPMed 0.00019; 1000 Genomes Project 0.00020; gnomAD exomes 0.00020 and 0.00021; gnomAD 0.00021; ExAC 0.00025.

Submissions (2):

Labcorp Genetics (formerly Invitae), Labcorp
Classification: Uncertain significance. Last evaluated: 2026-01-12. Review status: criteria provided, single submitter. Criteria: Invitae Variant Classification Sherloc (09022015). Collection method: clinical testing. Allele origin: germline.
Comment: This sequence change replaces methionine, which is neutral and non-polar, with valine, which is neutral and non-polar, at codon 1372 of the CIT protein (p.Met1372Val). This variant is present in population databases (rs200875509, gnomAD 0.04%). This variant has not been reported in the literature in individuals affected with CIT-related conditions. ClinVar contains an entry for this variant (Variation ID: 1212732). An algorithm developed to predict the effect of missense changes on protein structure and function (PolyPhen-2) suggests that this variant is likely to be tolerated. In summary, the available evidence is currently insufficient to determine the role of this variant in disease. Therefore, it has been classified as a Variant of Uncertain Significance.

GeneDx
Classification: Uncertain significance. Last evaluated: 2021-04-19. Review status: criteria provided, single submitter. Criteria: GeneDx Variant Classification Process June 2021. Collection method: clinical testing. Allele origin: germline. Affected: yes.
Comment: In silico analysis, which includes protein predictors and evolutionary conservation, supports that this variant does not alter protein structure/function; In silico analysis, which includes splice predictors and evolutionary conservation, suggests this variant may impact gene splicing. In the absence of RNA/functional studies, the actual effect of this sequence change is unknown; Has not been previously published as pathogenic or benign to our knowledge